The following is an entry in ClinVar:

ClinVar aggregate classification (germline): Uncertain significance (1 of 4 stars; one submission).

Conditions:
Developmental and epileptic encephalopathy 94 (DEE94). Also called: CHD2-Related Neurodevelopmental Disorders; Epileptic encephalopathy, childhood-onset. Identifiers: Orphanet 1942, Orphanet 2382, MedGen C3809278, MONDO:0014150, OMIM 615369.

Allele frequency attached by ClinVar (database versions not stated): gnomAD exomes below 0.00001.
gnomAD v4.1: 5 of 1,614,142 alleles (0.00031%); highest among the groups gnomAD compares: African/African-American, 0.0013%; no homozygotes.

Submission:

Labcorp Genetics (formerly Invitae), Labcorp
Classification: Uncertain significance for Developmental and epileptic encephalopathy 94. Last evaluated: 2024-03-20. Review status: criteria provided, single submitter. Criteria: Invitae Variant Classification Sherloc (09022015). Collection method: clinical testing. Allele origin: germline.
Comment: This sequence change replaces arginine, which is basic and polar, with glutamine, which is neutral and polar, at codon 1588 of the CHD2 protein (p.Arg1588Gln). This variant is present in population databases (no rsID available, gnomAD 0.007%). This variant has not been reported in the literature in individuals affected with CHD2-related conditions. ClinVar contains an entry for this variant (Variation ID: 1983314). Advanced modeling of protein sequence and biophysical properties (such as structural, functional, and spatial information, amino acid conservation, physicochemical variation, residue mobility, and thermodynamic stability) performed at Invitae indicates that this missense variant is not expected to disrupt CHD2 protein function with a negative predictive value of 95%. In summary, the available evidence is currently insufficient to determine the role of this variant in disease. Therefore, it has been classified as a Variant of Uncertain Significance.

NM_001271.4(CHD2):c.4763G>A (p.Arg1588Gln)

Gene: CHD2 (chromodomain helicase DNA binding protein 2; plus strand). Cytogenetic location: 15q26.1.
Variant type: single nucleotide variant.
Coding change: c.4763G>A on transcript NM_001271.4 (MANE Select); coding-DNA position 4763, G replaced by A.
Protein change: p.Arg1588Gln; replaces arginine 1588 with glutamine.
Molecular consequence: missense variant.
Genome position (GRCh38, 1-based): chr15:93,014,766, G>A. VCF-style: chr15-93014766-G-A. GRCh37 (hg19) VCF-style: chr15-93557996-G-A.
Other names: short protein forms R1588Q.
Identifiers: ClinVar variation 1983314 (VCV001983314.4), dbSNP rs1164926261, ClinGen allele CA393906078.